The following is an entry in ClinVar:

NM_014324.6(AMACR):c.152G>T (p.Arg51Leu)

Genes: C1QTNF3-AMACR (C1QTNF3-AMACR readthrough (NMD candidate); minus strand), AMACR (alpha-methylacyl-CoA racemase; minus strand). Cytogenetic location: 5p13.2.
Variant type: single nucleotide variant.
Coding change: c.152G>T on transcript NM_014324.6 (MANE Select); coding-DNA position 152, G replaced by T.
Protein change: p.Arg51Leu; replaces arginine 51 with leucine.
Molecular consequence: missense variant.
Genome position (GRCh38, 1-based): chr5:34,007,868, C>A on the plus strand (G>T on the coding strand, the complement: AMACR is on the minus strand). VCF-style: chr5-34007868-C-A. GRCh37 (hg19) VCF-style: chr5-34007973-C-A.
Other names: c.152G>T, p.Arg51Leu (NM_001167595.2, NM_203382.3); short protein forms R51L.
Identifiers: ClinVar variation 2418655 (VCV002418655.3), dbSNP rs754683383, ClinGen allele CA3226286.
Genomic context (GRCh38, chr5:34,007,868, plus strand): 5'-TTGCACAGACGCCGCAGCACGGCGGCTCCCCGCGGCTGCTTCAGGTCCAGCACTAGCGAG[C>A]GCTTGCCCCGGCCCAAGCGGCTCACGTCGTAGCGGGAGCCGGGCCGGTCCACGCGTACCA-3'
Protein context (NP_055139.4, residues 41-61): YDVSRLGRGK[Arg51Leu]SLVLDLKQPR

ClinVar aggregate classification (germline): Uncertain significance (1 of 4 stars; one submission).

Conditions:
Alpha-methylacyl-CoA racemase deficiency (AMACRD). Also called: AMACR deficiency. Identifiers: Orphanet 79095, MedGen C3280428, MONDO:0013681, OMIM 614307. Disease mechanism: loss of function.

Allele frequency attached by ClinVar (database versions not stated): TOPMed 0.00001; ExAC 0.00003.
gnomAD v4.1: 13 of 1,589,522 alleles (0.00082%); highest among the groups gnomAD compares: Middle Eastern, 0.017%; no homozygotes.

Submission:

Labcorp Genetics (formerly Invitae), Labcorp
Classification: Uncertain significance for Alpha-methylacyl-CoA racemase deficiency. Last evaluated: 2022-07-06. Review status: criteria provided, single submitter. Criteria: Invitae Variant Classification Sherloc (09022015). Collection method: clinical testing. Allele origin: germline.
Comment: This sequence change replaces arginine, which is basic and polar, with leucine, which is neutral and non-polar, at codon 51 of the AMACR protein (p.Arg51Leu). The frequency data for this variant in the population databases is considered unreliable, as metrics indicate poor data quality at this position in the gnomAD database. This variant has not been reported in the literature in individuals affected with AMACR-related conditions. Algorithms developed to predict the effect of missense changes on protein structure and function are either unavailable or do not agree on the potential impact of this missense change (SIFT: "Deleterious"; PolyPhen-2: "Benign"; Align-GVGD: "Class C0"). In summary, the available evidence is currently insufficient to determine the role of this variant in disease. Therefore, it has been classified as a Variant of Uncertain Significance.